The following is an entry in ClinVar:

ClinVar aggregate classification (germline): Likely benign (0 of 4 stars; one submission).

Conditions:
CELSR3-related disorder. Also called: CELSR3-related condition.

Submission:

PreventionGenetics, part of Exact Sciences
Classification: Likely benign for CELSR3-related condition. Last evaluated: 2019-06-04. Review status: no assertion criteria provided. Collection method: clinical testing. Allele origin: germline.
Comment: This variant is classified as likely benign based on ACMG/AMP sequence variant interpretation guidelines (Richards et al. 2015 PMID: 25741868, with internal and published modifications).

NM_001407.3(CELSR3):c.7836C>T (p.Phe2612=)

Gene: CELSR3 (cadherin EGF LAG seven-pass G-type receptor 3; minus strand). Cytogenetic location: 3p21.31.
Variant type: single nucleotide variant.
Coding change: c.7836C>T on transcript NM_001407.3 (MANE Select); coding-DNA position 7836, C replaced by T.
Protein change: p.Phe2612=; no amino-acid change (phenylalanine 2612 retained).
Molecular consequence: synonymous variant.
Genome position (GRCh38, 1-based): chr3:48,645,171, G>A on the plus strand (C>T on the coding strand, the complement: CELSR3 is on the minus strand). VCF-style: chr3-48645171-G-A. GRCh37 (hg19) VCF-style: chr3-48682604-G-A.
Identifiers: ClinVar variation 3044428 (VCV003044428.2), dbSNP rs2531583021, ClinGen allele CA433620887.
Genomic context (GRCh38, chr3:48,645,171, plus strand): 5'-AACCTGCATGCGGTAGAGGTGCAGCCCCTGCACGAAGAGCCACGCGAAGGTGCTGAGGAA[G>A]AAGTAGTGCAGGAGGATGGCGACTGCAGTGCACACCAGCTGAGGGCAGGGGGGCGTGTCA-3'
Protein context (NP_001398.2, residues 2602-2622): CTAVAILLHY[Phe2612=]FLSTFAWLFV